The following is an entry in ClinVar:

NM_001348323.3(TRIP12):c.3637G>T (p.Ala1213Ser)

Gene: TRIP12 (thyroid hormone receptor interactor 12; minus strand). Cytogenetic location: 2q36.3.
Variant type: single nucleotide variant.
Coding change: c.3637G>T on transcript NM_001348323.3 (MANE Select); coding-DNA position 3637, G replaced by T.
Protein change: p.Ala1213Ser; replaces alanine 1213 with serine.
Molecular consequence: missense variant.
Genome position (GRCh38, 1-based): chr2:229,796,770, C>A on the plus strand (G>T on the coding strand, the complement: TRIP12 is on the minus strand). VCF-style: chr2-229796770-C-A. GRCh37 (hg19) VCF-style: chr2-230661486-C-A.
Other names: c.3637G>T, p.Ala1213Ser (NM_001348326.2, NM_001348327.2, NM_001348319.1 and 4 more transcripts); c.3640G>T, p.Ala1214Ser (NM_001348328.1, NM_001348329.2, NM_001348330.2 and 1 more transcripts); c.3430G>T, p.Ala1144Ser (NM_001348331.1); c.3550G>T, p.Ala1184Ser (NM_001348332.1); c.3559G>T, p.Ala1187Ser (NM_001348333.1); c.3412G>T, p.Ala1138Ser (NM_004238.3); c.3556G>T, p.Ala1186Ser (NM_001284214.2, NM_001348315.2); c.3511G>T, p.Ala1171Ser (NM_001284215.2, NM_001348316.2, NM_001348317.1 and 1 more transcripts); and 1 more; short protein forms A1171S, A1187S, A1138S, A1144S, A868S, A1184S, A1186S, A1213S.
Identifiers: ClinVar variation 3182929 (VCV003182929.2), dbSNP rs753484319, ClinGen allele CA2152706.

ClinVar aggregate classification (germline): Conflicting classifications of pathogenicity. Review status: criteria provided, conflicting classifications (1 of 4 stars). 2 submissions from 2 submitters: Uncertain significance (1); Likely benign (1). Last evaluated 2026-07-01.

Conditions:
Inborn genetic diseases. Identifiers: MedGen C0950123, MeSH D030342.

Allele frequency attached by ClinVar (database versions not stated): TOPMed 0.00001; ExAC 0.00002.
gnomAD v4.1: 5 of 1,580,036 alleles (0.00032%); highest among the groups gnomAD compares: Admixed American, 0.0059%; no homozygotes.

Submissions (2):

CeGaT Center for Human Genetics Tuebingen
Classification: Likely benign. Last evaluated: 2026-07-01. Review status: criteria provided, single submitter. Criteria: CeGaT Center For Human Genetics Tuebingen Variant Classification Criteria Version 2. Collection method: clinical testing. Allele origin: germline. Affected: yes. Observed: 1 variant allele.
Comment: TRIP12: BP4

Ambry Genetics
Classification: Uncertain significance for Inborn genetic diseases. Last evaluated: 2024-01-29. Review status: criteria provided, single submitter. Criteria: Ambry Variant Classification Scheme 2023. Collection method: clinical testing. Allele origin: germline.